The following is an entry in ClinVar:

ClinVar aggregate classification (germline): Likely benign. Review status: criteria provided, multiple submitters, no conflicts (2 of 4 stars). 5 submissions from 5 submitters: Likely benign (2). 3 of the submissions do not count toward it. Last evaluated 2026-01-11.

Conditions:
SLC7A14-related disorder. Also called: SLC7A14-related condition.

Allele frequency attached by ClinVar (database versions not stated): gnomAD 0.00028 and 0.00029; TOPMed 0.00035; ESP Exome Variant Server 0.00038; gnomAD exomes 0.00038 and 0.00046; ExAC 0.00041.
gnomAD v4.1: 714 of 1,611,538 alleles (0.044%); highest among the groups gnomAD compares: Middle Eastern, 0.25%; no homozygotes.

Submissions (5):

Labcorp Genetics (formerly Invitae), Labcorp
Classification: Likely benign. Last evaluated: 2026-01-11. Review status: criteria provided, single submitter. Criteria: Invitae Variant Classification Sherloc (09022015). Collection method: clinical testing. Allele origin: germline.

Blueprint Genetics
Classification: Likely benign. Last evaluated: 2024-11-20. Review status: criteria provided, single submitter. Criteria: ACMG Guidelines, 2015. Collection method: clinical testing. Allele origin: germline.

PreventionGenetics, part of Exact Sciences
Classification: Likely benign for SLC7A14-related condition. Last evaluated: 2020-03-26. Review status: no assertion criteria provided. Collection method: clinical testing. Allele origin: germline. Not counted in ClinVar's aggregate classification.
Comment: This variant is classified as likely benign based on ACMG/AMP sequence variant interpretation guidelines (Richards et al. 2015 PMID: 25741868, with internal and published modifications).

Clinical Genetics DNA and cytogenetics Diagnostics Lab, Erasmus MC, Erasmus Medical Center
Classification: Likely benign. Review status: no assertion criteria provided. Collection method: clinical testing. Allele origin: germline. Affected: yes. Study: VKGL Data-share Consensus. Not counted in ClinVar's aggregate classification.

Clinical Genetics, Academic Medical Center
Classification: Benign. Review status: no assertion criteria provided. Collection method: clinical testing. Allele origin: germline. Affected: yes. Study: VKGL Data-share Consensus. Not counted in ClinVar's aggregate classification.

NM_020949.3(SLC7A14):c.1116-4C>G

Genes: SLC7A14 (solute carrier family 7 member 14; minus strand), SLC7A14-AS1 (SLC7A14 antisense RNA 1; plus strand). Cytogenetic location: 3q26.2.
Variant type: single nucleotide variant.
Coding change: c.1116-4C>G on transcript NM_020949.3 (MANE Select); 4 bases into the intron before coding-DNA position 1116, C replaced by G.
Molecular consequence: intron variant.
Genome position (GRCh38, 1-based): chr3:170,481,170, G>C on the plus strand (C>G on the coding strand, the complement: SLC7A14 is on the minus strand). VCF-style: chr3-170481170-G-C. GRCh37 (hg19) VCF-style: chr3-170198959-G-C.
Identifiers: ClinVar variation 775205 (VCV000775205.16), dbSNP rs368436663, ClinGen allele CA2701697.